The following is an entry in ClinVar:

ClinVar aggregate classification (germline): Uncertain significance (1 of 4 stars; one submission).

gnomAD v4.1: 1 of 1,613,204 alleles (0.000062%); highest among the groups gnomAD compares: Non-Finnish European, 0.000085%; no homozygotes.

Submission:

GeneDx
Classification: Uncertain significance. Last evaluated: 2026-04-23. Review status: criteria provided, single submitter. Criteria: GeneDx Variant Classification Process June 2021. Collection method: clinical testing. Allele origin: germline.
Comment: Not observed at significant frequency in large population cohorts (gnomAD); In silico analysis suggests that this missense variant does not alter protein structure/function; Has not been previously published as pathogenic or benign to our knowledge

NM_021096.4(CACNA1I):c.761C>A (p.Pro254His)

Gene: CACNA1I (calcium voltage-gated channel subunit alpha1 I; plus strand). Cytogenetic location: 22q13.1.
Variant type: single nucleotide variant.
Coding change: c.761C>A on transcript NM_021096.4 (MANE Select); coding-DNA position 761, C replaced by A.
Protein change: p.Pro254His; replaces proline 254 with histidine.
Molecular consequence: missense variant.
Genome position (GRCh38, 1-based): chr22:39,640,887, C>A. VCF-style: chr22-39640887-C-A. GRCh37 (hg19) VCF-style: chr22-40036892-C-A.
Other names: c.761C>A, p.Pro254His (NM_001003406.2); short protein forms P254H.
Identifiers: ClinVar variation 5037600 (VCV005037600.1).